The following is an entry in ClinVar:

NM_000051.4(ATM):c.4910-11A>T

Gene: ATM (ATM serine/threonine kinase; plus strand). Cytogenetic location: 11q22.3.
Variant type: single nucleotide variant.
Coding change: c.4910-11A>T on transcript NM_000051.4 (MANE Select); 11 bases into the intron before coding-DNA position 4910, A replaced by T.
Molecular consequence: intron variant.
Genome position (GRCh38, 1-based): chr11:108,297,276, A>T. VCF-style: chr11-108297276-A-T. GRCh37 (hg19) VCF-style: chr11-108168003-A-T.
Other names: c.4910-11A>T (NM_001351834.2).
Identifiers: ClinVar variation 2162142 (VCV002162142.4), dbSNP rs1190562514, ClinGen allele CA2580083466.

ClinVar aggregate classification (germline): Uncertain significance (1 of 4 stars; one submission).

Conditions:
Ataxia-telangiectasia syndrome (AT). Also called: Ataxia telangiectasia (A-T); AT, COMPLEMENTATION GROUP C; Ataxia-telangiectasia, complementation group D; Cerebello-oculocutaneous telangiectasia; Immunodeficiency with ataxia telangiectasia; LOUIS-BAR SYNDROME. Identifiers: Orphanet 100, MedGen C0004135, MONDO:0008840, OMIM 208900.

Submission:

Labcorp Genetics (formerly Invitae), Labcorp
Classification: Uncertain significance for Ataxia-telangiectasia syndrome. Last evaluated: 2022-04-28. Review status: criteria provided, single submitter. Criteria: Invitae Variant Classification Sherloc (09022015). Collection method: clinical testing. Allele origin: germline.
Comment: This variant is not present in population databases (gnomAD no frequency). This sequence change falls in intron 32 of the ATM gene. It does not directly change the encoded amino acid sequence of the ATM protein. This variant has not been reported in the literature in individuals affected with ATM-related conditions. In summary, the available evidence is currently insufficient to determine the role of this variant in disease. Therefore, it has been classified as a Variant of Uncertain Significance. Algorithms developed to predict the effect of sequence changes on RNA splicing suggest that this variant may create or strengthen a splice site.